The following is an entry in ClinVar:

NM_017950.4(CCDC40):c.*186A>C

Gene: CCDC40 (coiled-coil domain 40 molecular ruler complex subunit; plus strand). Cytogenetic location: 17q25.3.
Variant type: single nucleotide variant.
Coding change: c.*186A>C on transcript NM_017950.4 (MANE Select); 186 bases downstream of the stop codon, A replaced by C.
Molecular consequence: 3 prime UTR variant.
Genome position (GRCh38, 1-based): chr17:80,099,961, A>C. VCF-style: chr17-80099961-A-C. GRCh37 (hg19) VCF-style: chr17-78073760-A-C.
Identifiers: ClinVar variation 325753 (VCV000325753.9), dbSNP rs2304851, ClinGen allele CA10651248.
Genomic context (GRCh38, chr17:80,099,961, plus strand): 5'-GAGAAATAAGCCAGCCCCACCCATAGGAATCTTTTTAGCCACTCAGCAATTTAATAAACC[A>C]GGTAAAATCCTAGCGTTTCCCATGGCATCCCATCGCAAAGACAGAGCCTGTGACTGCAGA-3'

ClinVar aggregate classification (germline): Benign. Review status: criteria provided, multiple submitters, no conflicts (2 of 4 stars). 3 submissions from 3 submitters: Benign (3). Last evaluated 2018-07-09.

Conditions:
Primary ciliary dyskinesia 15. Also called: CILIARY DYSKINESIA, PRIMARY, 15, WITH OR WITHOUT SITUS INVERSUS. Identifiers: Orphanet 244, MedGen C3151137, MONDO:0013435, OMIM 613808.

Allele frequency attached by ClinVar (database versions not stated): 1000 Genomes Project 0.36142; 1000 Genomes Project 30x 0.36430; TOPMed 0.36787; gnomAD 0.37903 and 0.38175.
gnomAD v4.1: 231,634 of 658,676 alleles (35%); highest among the groups gnomAD compares: Middle Eastern, 49%; 42,773 homozygotes.

Submissions (3):

GeneDx
Classification: Benign. Last evaluated: 2018-07-09. Review status: criteria provided, single submitter. Criteria: GeneDx Variant Classification Process June 2021. Collection method: clinical testing. Allele origin: germline. Affected: yes.

Illumina Laboratory Services, Illumina
Classification: Benign for Primary ciliary dyskinesia 15. Last evaluated: 2018-01-13. Review status: criteria provided, single submitter. Criteria: ICSL Variant Classification Criteria 13 December 2019. Collection method: clinical testing. Allele origin: germline.
Comment: This variant was observed in the ICSL laboratory as part of a predisposition screen in an ostensibly healthy population. It had not been previously curated by ICSL or reported in the Human Gene Mutation Database (HGMD: prior to June 1st, 2018), and was therefore a candidate for classification through an automated scoring system. Utilizing variant allele frequency, disease prevalence and penetrance estimates, and inheritance mode, an automated score was calculated to assess if this variant is too frequent to cause the disease. Based on the score and internal cut-off values, a variant classified as benign is not then subjected to further curation. The score for this variant resulted in a classification of benign for this disease.

Breakthrough Genomics
Classification: Benign. Review status: criteria provided, single submitter. Criteria: ACMG Guidelines, 2015. Collection method: not provided. Allele origin: germline. Inheritance: Autosomal recessive inheritance. Affected: yes.